The following is an entry in ClinVar:

NM_033305.3(VPS13A):c.7765_7767del (p.Pro2589del)

Gene: VPS13A (vacuolar protein sorting 13 homolog A; plus strand). Cytogenetic location: 9q21.2.
Variant type: Deletion.
Coding change: c.7765_7767del on transcript NM_033305.3 (MANE Select); coding-DNA positions 7765 to 7767, 3 bases deleted (CCT; older notation c.7765_7767delCCT).
Protein change: p.Pro2589del; deletes proline 2589.
Molecular consequence: inframe deletion.
Genome position (GRCh38, 1-based): chr9:77,356,826-77,356,828, CCT deleted; deleting any 3 consecutive bases within chr9:77,356,824-77,356,828 gives the same sequence; the c. name uses the placement nearest the transcript's 3' end. VCF-style (leftmost placement, unchanged base first): chr9-77356823-TCTC-T. GRCh37 (hg19) VCF-style: chr9-79971739-TCTC-T.
Other names: c.7648_7650del, p.Pro2550del (NM_001018037.2); c.7765_7767del, p.Pro2589del (NM_001018038.3, NM_015186.4); short protein forms P2550del, P2589del.
Identifiers: ClinVar variation 1712105 (VCV001712105.3), dbSNP rs751273031, ClinGen allele CA5093417.
Genomic context (GRCh38, chr9:77,356,823, plus strand): 5'-CCAATGAGTGTAAAGCACACTGAGAAGTTAGAGAGAGAATTTAAGGAATATACTGAATCT[TCTC>T]CTTCAGAAGATAAGGTTATTCAGTTGGACACTAATGTTCCGGTAATATTTTTAAGTACTG-3'

ClinVar aggregate classification (germline): Uncertain significance (1 of 4 stars; one submission).

Submission:

GeneDx
Classification: Uncertain significance. Last evaluated: 2025-01-05. Review status: criteria provided, single submitter. Criteria: GeneDx Variant Classification Process June 2021. Collection method: clinical testing. Allele origin: germline. Affected: yes.
Comment: Not observed at significant frequency in large population cohorts (gnomAD); In-frame deletion of 1 amino acid(s) in a non-repeat region; In silico analysis supports a deleterious effect on protein structure/function; Has not been previously published as pathogenic or benign to our knowledge